The following is an entry in ClinVar:

NM_017534.6(MYH2):c.5378A>C (p.Glu1793Ala)

Genes: MYHAS (myosin heavy chain gene cluster antisense RNA; plus strand), MYH2 (myosin heavy chain 2; minus strand). Cytogenetic location: 17p13.1.
Variant type: single nucleotide variant.
Coding change: c.5378A>C on transcript NM_017534.6 (MANE Select); coding-DNA position 5378, A replaced by C.
Protein change: p.Glu1793Ala; replaces glutamic acid 1793 with alanine.
Molecular consequence: missense variant.
Genome position (GRCh38, 1-based): chr17:10,523,590, T>G on the plus strand (A>C on the coding strand, the complement: MYH2 is on the minus strand). VCF-style: chr17-10523590-T-G. GRCh37 (hg19) VCF-style: chr17-10426907-T-G.
Other names: c.5378A>C, p.Glu1793Ala (NM_001100112.2); short protein forms E1793A.
Identifiers: ClinVar variation 639702 (VCV000639702.10), dbSNP rs912089271, ClinGen allele CA287734847.

ClinVar aggregate classification (germline): Uncertain significance. Review status: criteria provided, multiple submitters, no conflicts (2 of 4 stars). 3 submissions from 3 submitters: Uncertain significance (3). Last evaluated 2023-06-06.

Conditions:
Inborn genetic diseases. Identifiers: MedGen C0950123, MeSH D030342.
Myopathy, proximal, and ophthalmoplegia (CMYO6). Also called: MYOPATHY WITH CONGENITAL JOINT CONTRACTURES, OPHTHALMOPLEGIA, AND RIMMED VACUOLES; INCLUSION BODY MYOPATHY 3, AUTOSOMAL DOMINANT; CONGENITAL MYOPATHY 6 WITH OPHTHALMOPLEGIA. Identifiers: Orphanet 363677, Orphanet 79091, MedGen C1854106, MONDO:0011577, OMIM 605637.

Allele frequency attached by ClinVar (database versions not stated): gnomAD exomes below 0.00001; TOPMed 0.00003; gnomAD 0.00005 and 0.00006.

Submissions (3):

Ambry Genetics
Classification: Uncertain significance for Inborn genetic diseases. Last evaluated: 2023-06-06. Review status: criteria provided, single submitter. Criteria: Ambry Variant Classification Scheme 2023. Collection method: clinical testing. Allele origin: germline.

Labcorp Genetics (formerly Invitae), Labcorp
Classification: Uncertain significance for Myopathy, proximal, and ophthalmoplegia. Last evaluated: 2022-07-26. Review status: criteria provided, single submitter. Criteria: Invitae Variant Classification Sherloc (09022015). Collection method: clinical testing. Allele origin: germline.
Comment: This sequence change replaces glutamic acid, which is acidic and polar, with alanine, which is neutral and non-polar, at codon 1793 of the MYH2 protein (p.Glu1793Ala). This variant is present in population databases (no rsID available, gnomAD 0.02%). This variant has not been reported in the literature in individuals affected with MYH2-related conditions. ClinVar contains an entry for this variant (Variation ID: 639702). Algorithms developed to predict the effect of missense changes on protein structure and function are either unavailable or do not agree on the potential impact of this missense change (SIFT: "Deleterious"; PolyPhen-2: "Benign"; Align-GVGD: "Class C25"). In summary, the available evidence is currently insufficient to determine the role of this variant in disease. Therefore, it has been classified as a Variant of Uncertain Significance.

Revvity Omics, Revvity
Classification: Uncertain significance for Myopathy, proximal, and ophthalmoplegia. Last evaluated: 2020-02-12. Review status: criteria provided, single submitter. Criteria: ACMG Guidelines, 2015. Collection method: clinical testing. Allele origin: germline.